The following is an entry in ClinVar:

ClinVar aggregate classification (germline): Likely pathogenic (1 of 4 stars; one submission).

gnomAD v4.1: 1 of 1,613,492 alleles (0.000062%); highest among the groups gnomAD compares: Non-Finnish European, 0.000085%; no homozygotes.

Submission:

Dasa
Classification: Likely pathogenic. Last evaluated: 2025-12-23. Review status: criteria provided, single submitter. Criteria: DASA Assertion Criteria. Collection method: clinical testing. Allele origin: germline.
Comment: NM_018255.4(ELP2):c.592C>T (p.Gln198*) is a nonsense variant in ELP2 predicted to introduce a premature termination codon and is predicted to result in an absent or altered protein product. Loss of function is an established disease mechanism for ELP2-associated disorders. Also, this variant is rare in population databases. Based on the currently available evidence, this variant is classified as likely pathogenic.

NM_018255.4(ELP2):c.592C>T (p.Gln198Ter)

Gene: ELP2 (elongator acetyltransferase complex subunit 2; plus strand). Cytogenetic location: 18q12.2.
Variant type: single nucleotide variant.
Coding change: c.592C>T on transcript NM_018255.4 (MANE Select); coding-DNA position 592, C replaced by T.
Protein change: p.Gln198Ter; replaces glutamine 198 with a stop codon.
Molecular consequence: nonsense. On other transcripts: non-coding transcript variant (3), intron variant (1).
Genome position (GRCh38, 1-based): chr18:36,142,284, C>T. VCF-style: chr18-36142284-C-T. GRCh37 (hg19) VCF-style: chr18-33722247-C-T.
Other names: c.787C>T, p.Gln263Ter (NM_001242875.3); c.709C>T, p.Gln237Ter (NM_001242876.3, NM_001324466.2); c.514C>T, p.Gln172Ter (NM_001242877.3, NM_001242878.3); c.592C>T, p.Gln198Ter (NM_001324465.2, NM_001324467.2); c.145C>T, p.Gln49Ter (NM_001324468.2); c.446-542C>T (NM_001242879.3); short protein forms Q172*, Q198*, Q237*, Q263*, Q49*.
Identifiers: ClinVar variation 4884197 (VCV004884197.2).
Genomic context (GRCh38, chr18:36,142,284, plus strand): 5'-GGTATACATGAAGATGTTAAATTCTTACATCAAGCCCAATGATTTTTATCTTACTAGTTT[C>T]AGAAAGTGCTTTCTCTCTGTGGACATGAGGATTGGATTAGAGGAGTGGAATGGGCAGCCT-3'